The following is an entry in ClinVar:

ClinVar aggregate classification (germline): Uncertain significance. Review status: criteria provided, multiple submitters, no conflicts (2 of 4 stars). 2 submissions from 2 submitters: Uncertain significance (2). Last evaluated 2024-11-18.

Conditions:
Inborn genetic diseases. Identifiers: MedGen C0950123, MeSH D030342.

Allele frequency attached by ClinVar (database versions not stated): TOPMed below 0.00001; ExAC 0.00001; gnomAD exomes 0.00001.
gnomAD v4.1: 11 of 1,613,928 alleles (0.00068%); highest among the groups gnomAD compares: Admixed American, 0.0033%; no homozygotes.

Submissions (2):

Labcorp Genetics (formerly Invitae), Labcorp
Classification: Uncertain significance. Last evaluated: 2024-11-18. Review status: criteria provided, single submitter. Criteria: Invitae Variant Classification Sherloc (09022015). Collection method: clinical testing. Allele origin: germline.
Comment: This sequence change replaces arginine, which is basic and polar, with glutamine, which is neutral and polar, at codon 1167 of the STAG1 protein (p.Arg1167Gln). This variant is present in population databases (rs747617236, gnomAD 0.006%). This variant has not been reported in the literature in individuals affected with STAG1-related conditions. ClinVar contains an entry for this variant (Variation ID: 2028166). Invitae Evidence Modeling of protein sequence and biophysical properties (such as structural, functional, and spatial information, amino acid conservation, physicochemical variation, residue mobility, and thermodynamic stability) indicates that this missense variant is not expected to disrupt STAG1 protein function with a negative predictive value of 95%. In summary, the available evidence is currently insufficient to determine the role of this variant in disease. Therefore, it has been classified as a Variant of Uncertain Significance.

Ambry Genetics
Classification: Uncertain significance for Inborn genetic diseases. Last evaluated: 2021-09-01. Review status: criteria provided, single submitter. Criteria: Ambry Variant Classification Scheme 2023. Collection method: clinical testing. Allele origin: germline.

NM_005862.3(STAG1):c.3500G>A (p.Arg1167Gln)

Gene: STAG1 (STAG1 cohesin complex component; minus strand). Cytogenetic location: 3q22.3.
Variant type: single nucleotide variant.
Coding change: c.3500G>A on transcript NM_005862.3 (MANE Select); coding-DNA position 3500, G replaced by A.
Protein change: p.Arg1167Gln; replaces arginine 1167 with glutamine.
Molecular consequence: missense variant.
Genome position (GRCh38, 1-based): chr3:136,341,498, C>T on the plus strand (G>A on the coding strand, the complement: STAG1 is on the minus strand). VCF-style: chr3-136341498-C-T. GRCh37 (hg19) VCF-style: chr3-136060340-C-T.
Other names: short protein forms R1167Q.
Identifiers: ClinVar variation 2028166 (VCV002028166.5), dbSNP rs747617236, ClinGen allele CA2632371.
Genomic context (GRCh38, chr3:136,341,498, plus strand): 5'-TACACAGCATGCCTCACTCCAGTTCTCACTTTCATGTAGTTCATTCCTGTTCTGTCCTTC[C>T]GATTTAAGTCTTCTAACTTCGGCTGGCCTAACCAAGAGATCTGCATCTGAGGACTAAGAG-3'
Protein context (NP_005853.2, residues 1157-1177): LGQPKLEDLN[Arg1167Gln]KDRTGMNYMK